The following is an entry in ClinVar:

NM_000843.4(GRM6):c.1742G>T (p.Trp581Leu)

Genes: GRM6 (glutamate metabotropic receptor 6; minus strand), ZNF454 (zinc finger protein 454; plus strand). Cytogenetic location: 5q35.3.
Variant type: single nucleotide variant.
Coding change: c.1742G>T on transcript NM_000843.4 (MANE Select); coding-DNA position 1742, G replaced by T.
Protein change: p.Trp581Leu; replaces tryptophan 581 with leucine.
Molecular consequence: missense variant.
Genome position (GRCh38, 1-based): chr5:178,986,512, C>A on the plus strand (G>T on the coding strand, the complement: GRM6 is on the minus strand). VCF-style: chr5-178986512-C-A. GRCh37 (hg19) VCF-style: chr5-178413513-C-A.
Other names: short protein forms W581L.
Identifiers: ClinVar variation 1513048 (VCV001513048.8), dbSNP rs773241998, ClinGen allele CA362427435.
Genomic context (GRCh38, chr5:178,986,512, plus strand): 5'-GTAGTGGCCACGATGCCCAGCACGGCCAGGAGGAGCGGCGGGGCTGCCCAGGGGGAGGAC[C>A]AGCTCAGGCGCACCACAGGTGTGGGGCGGCAGCCCGTGTGGTTGGGCGTGGGCCTCATGT-3'
Protein context (NP_000834.2, residues 571-591): CRPTPVVRLS[Trp581Leu]SSPWAAPPLL

ClinVar aggregate classification (germline): Uncertain significance (1 of 4 stars; one submission).

gnomAD v4.1: 4 of 1,608,964 alleles (0.00025%); highest among the groups gnomAD compares: African/African-American, 0.004%; no homozygotes.

Submission:

Labcorp Genetics (formerly Invitae), Labcorp
Classification: Uncertain significance. Last evaluated: 2022-06-21. Review status: criteria provided, single submitter. Criteria: Invitae Variant Classification Sherloc (09022015). Collection method: clinical testing. Allele origin: germline.
Comment: This sequence change replaces tryptophan, which is neutral and slightly polar, with leucine, which is neutral and non-polar, at codon 581 of the GRM6 protein (p.Trp581Leu). Advanced modeling of protein sequence and biophysical properties (such as structural, functional, and spatial information, amino acid conservation, physicochemical variation, residue mobility, and thermodynamic stability) performed at Invitae indicates that this missense variant is expected to disrupt GRM6 protein function. In summary, the available evidence is currently insufficient to determine the role of this variant in disease. Therefore, it has been classified as a Variant of Uncertain Significance. This variant has not been reported in the literature in individuals affected with GRM6-related conditions. This variant is not present in population databases (gnomAD no frequency).